The following is an entry in ClinVar:

NM_000531.6(OTC):c.863T>G (p.Met288Arg)

Gene: OTC (ornithine transcarbamylase; plus strand). Cytogenetic location: Xp11.4.
Variant type: single nucleotide variant.
Coding change: c.863T>G on transcript NM_000531.6 (MANE Select); coding-DNA position 863, T replaced by G.
Protein change: p.Met288Arg; replaces methionine 288 with arginine.
Molecular consequence: missense variant.
Genome position (GRCh38, 1-based): chrX:38,409,021, T>G. VCF-style: chrX-38409021-T-G. GRCh37 (hg19) VCF-style: chrX-38268274-T-G.
Other names: c.863T>G (NM_000531.5); c.863T>G, p.Met288Arg (NM_001407092.1); short protein forms M288R.
Identifiers: ClinVar variation 1937461 (VCV001937461.7), dbSNP rs777210088, ClinGen allele CA10385945.

ClinVar aggregate classification (germline): Likely benign. Review status: reviewed by expert panel (3 of 4 stars). 4 submissions from 4 submitters: Likely benign (1). 3 of the submissions do not count toward it. Last evaluated 2026-05-21.

Conditions:
Inborn genetic diseases. Identifiers: MedGen C0950123, MeSH D030342.
Ornithine carbamoyltransferase deficiency (OTCD). Also called: ORNITHINE TRANSCARBAMYLASE DEFICIENCY; ORNITHINE TRANSCARBAMYLASE DEFICIENCY, HYPERAMMONEMIA DUE TO; OTC DEFICIENCY; Ornithine Carbamoyltransferase Deficiency Disease. Identifiers: Orphanet 664, MedGen C0268542, MONDO:0010703, OMIM 311250.

Allele frequency attached by ClinVar (database versions not stated): ExAC 0.00001; gnomAD 0.00003; gnomAD exomes 0.00003.
gnomAD v4.1: 41 of 1,209,209 alleles (0.0034%); highest among the groups gnomAD compares: Non-Finnish European, 0.0044%; no homozygotes.

Submissions (4):

Clingen Urea Cycle Disorders Variant Curation Expert Panel, ClinGen
Classification: Likely benign for Ornithine carbamoyltransferase deficiency. Last evaluated: 2026-05-21. Review status: reviewed by expert panel. Criteria: ClinGen UreaCycles ACMG Specifications OTC V1.0. Collection method: curation. Allele origin: germline. Inheritance: X-linked inheritance.
Comment: The NM_000531.6:c.863T>G variant in OTC is a missense variant predicted to cause substitution of methionine by arginine at amino acid 288 (p.Met288Arg). This variant has been detected in one individual with X-linked intellectual disability without clinical and/or biochemical evidence of OTC deficiency (PMID: 19377476). The Grpmax Filtering allele frequency in gnomAD v4.1.0 is 0.00004359 (39/894648 alleles), with 16 hemizygotes across all populations which is higher than the ClinGen UCD VCEP threshold (≥10 hemizygotes) for BA1, and therefore meets this criterion (BA1). Expression of the variant in yeast resulted in 42% of wild-type growth, which is <50%, and suggests that this variant has an impact on protein function (PMID: 37146589) (PS3_Moderate). The computational predictor REVEL gives a score of 0.653 which is above the threshold of 0.644, evidence that correlates with Supporting impact to OTC function (PP3). In summary, the ClinGen Urea Cycle Disorders VCEP classified the variant with conflicting criteria to likely benign based on Bayesian points calculation (-5 points; OTC specifications version 1.0.0): BA1, PP3, PS3_Moderate.

Ambry Genetics
Classification: Uncertain significance for Inborn genetic diseases. Last evaluated: 2026-03-16. Review status: criteria provided, single submitter. Criteria: Ambry Variant Classification Scheme 2023. Collection method: clinical testing. Allele origin: germline. Not counted in ClinVar's aggregate classification.
Comment: The c.863T>G (p.M288R) alteration is located in exon 8 (coding exon 8) of the OTC gene. This alteration results from a T to G substitution at nucleotide position 863, causing the methionine (M) at amino acid position 288 to be replaced by an arginine (R). Based on data from gnomAD, the G allele has an overall frequency of 0.002% (4/204522) total alleles studied. The highest observed frequency was 0.004% (4/92317) of European (non-Finnish) alleles. Based on insufficient or conflicting evidence, the clinical significance of this alteration remains unclear.

Labcorp Genetics (formerly Invitae), Labcorp
Classification: Benign for Ornithine carbamoyltransferase deficiency. Last evaluated: 2026-01-24. Review status: criteria provided, single submitter. Criteria: Invitae Variant Classification Sherloc (09022015). Collection method: clinical testing. Allele origin: germline. Not counted in ClinVar's aggregate classification.

Color Diagnostics, LLC DBA Color Health
Classification: Uncertain significance for Ornithine carbamoyltransferase deficiency. Last evaluated: 2024-03-07. Review status: criteria provided, single submitter. Criteria: ACMG Guidelines, 2015. Collection method: clinical testing. Allele origin: germline. Not counted in ClinVar's aggregate classification.
Comment: This missense variant replaces methionine with arginine at codon 288 of the OTC protein. Computational prediction is inconclusive regarding the impact of this variant on protein structure and function. To our knowledge, functional studies have not been reported for this variant. This variant has not been reported in individuals affected with ornithine carbamoyltransferase deficiency in the literature. This variant has been identified in 4/204522 chromosomes in the general population by the Genome Aggregation Database (gnomAD). The available evidence is insufficient to determine the role of this variant in disease conclusively. Therefore, this variant is classified as a Variant of Uncertain Significance.

Literature cited by the submitters: PubMed 37146589 (cited by Clingen Urea Cycle Disorders Variant Curation Expert Panel, ClinGen).